The following is an entry in ClinVar:

NM_020779.4(WDR35):c.1526G>T (p.Gly509Val)

Gene: WDR35 (WD repeat domain 35; minus strand). Cytogenetic location: 2p24.1.
Variant type: single nucleotide variant.
Coding change: c.1526G>T on transcript NM_020779.4 (MANE Select); coding-DNA position 1526, G replaced by T.
Protein change: p.Gly509Val; replaces glycine 509 with valine.
Molecular consequence: missense variant.
Genome position (GRCh38, 1-based): chr2:19,946,569, C>A on the plus strand (G>T on the coding strand, the complement: WDR35 is on the minus strand). VCF-style: chr2-19946569-C-A. GRCh37 (hg19) VCF-style: chr2-20146330-C-A.
Other names: c.1559G>T, p.Gly520Val (NM_001006657.2); short protein forms G520V, G509V.
Identifiers: ClinVar variation 93462 (VCV000093462.13), dbSNP rs398123536, ClinGen allele CA221421.

ClinVar aggregate classification (germline): Uncertain significance. Review status: criteria provided, multiple submitters, no conflicts (2 of 4 stars). 4 submissions from 4 submitters: Uncertain significance (4). Last evaluated 2025-05-18.

Conditions:
Inborn genetic diseases. Identifiers: MedGen C0950123, MeSH D030342.
Cranioectodermal dysplasia 2 (CED2). Identifiers: Orphanet 1515, MedGen C3150874, MONDO:0013323, OMIM 613610.
Short-rib thoracic dysplasia 7 with or without polydactyly (SRTD7). Also called: SHORT-RIB THORACIC DYSPLASIA 7 WITH POLYDACTYLY; Short rib polydactyly syndrome 5. Identifiers: Orphanet 498497, Orphanet 93271, MedGen C3279792, MONDO:0013569, OMIM 614091.

Allele frequency attached by ClinVar (database versions not stated): TOPMed 0.00002; gnomAD exomes 0.00008; gnomAD 0.00001; ExAC 0.00007.
gnomAD v4.1: 21 of 1,612,924 alleles (0.0013%); highest among the groups gnomAD compares: Admixed American, 0.033%; no homozygotes.

Submissions (4):

Ambry Genetics
Classification: Uncertain significance for Inborn genetic diseases. Last evaluated: 2025-05-18. Review status: criteria provided, single submitter. Criteria: Ambry Variant Classification Scheme 2023. Collection method: clinical testing. Allele origin: germline.

Labcorp Genetics (formerly Invitae), Labcorp
Classification: Uncertain significance for Cranioectodermal dysplasia 2; Short-rib thoracic dysplasia 7 with or without polydactyly. Last evaluated: 2022-04-20. Review status: criteria provided, single submitter. Criteria: Invitae Variant Classification Sherloc (09022015). Collection method: clinical testing. Allele origin: germline.
Comment: This sequence change replaces glycine, which is neutral and non-polar, with valine, which is neutral and non-polar, at codon 520 of the WDR35 protein (p.Gly520Val). This variant is present in population databases (rs398123536, gnomAD 0.06%). This variant has not been reported in the literature in individuals affected with WDR35-related conditions. ClinVar contains an entry for this variant (Variation ID: 93462). Algorithms developed to predict the effect of missense changes on protein structure and function are either unavailable or do not agree on the potential impact of this missense change (SIFT: "Deleterious"; PolyPhen-2: "Benign"; Align-GVGD: "Class C15"). Algorithms developed to predict the effect of sequence changes on RNA splicing suggest that this variant may create or strengthen a splice site. In summary, the available evidence is currently insufficient to determine the role of this variant in disease. Therefore, it has been classified as a Variant of Uncertain Significance.

GeneDx
Classification: Uncertain significance. Last evaluated: 2019-04-02. Review status: criteria provided, single submitter. Criteria: GeneDx Variant Classification Process June 2021. Collection method: clinical testing. Allele origin: germline. Affected: yes.
Comment: Has not been previously published as pathogenic or benign to our knowledge; In silico analysis, which includes protein predictors and evolutionary conservation, supports a deleterious effect; In addition, in silico splice predictors suggest this variant may impact gene splicing. In the absence of RNA/functional studies, the actual effect of this sequence change is unknown.

Eurofins Ntd Llc (ga)
Classification: Uncertain significance. Last evaluated: 2013-04-05. Review status: criteria provided, single submitter. Criteria: EGL Classification Definitions 2015. Collection method: clinical testing. Allele origin: germline. Observed: 1 variant allele, 1 heterozygote.